The following is an entry in ClinVar:

ClinVar aggregate classification (germline): Conflicting classifications of pathogenicity. Review status: criteria provided, conflicting classifications (1 of 4 stars). 6 submissions from 6 submitters: Uncertain significance (4); Likely benign (2). Last evaluated 2025-07-02.

Conditions:
Hereditary cancer-predisposing syndrome. Also called: Neoplastic Syndromes, Hereditary; Hereditary Cancer Syndrome; Hereditary neoplastic syndrome; Tumor predisposition. Identifiers: Orphanet 140162, MedGen C0027672, MeSH D009386, MONDO:0015356.
Familial cancer of breast. Also called: hereditary breast carcinoma; Hereditary breast cancer; BREAST CANCER, FAMILIAL. Identifiers: Orphanet 227535, MedGen C0346153, MONDO:0016419, OMIM 114480. Disease mechanism: loss of function.

Allele frequency attached by ClinVar (database versions not stated): TOPMed 0.00001.

Submissions (6):

Labcorp Genetics (formerly Invitae), Labcorp
Classification: Uncertain significance for Familial cancer of breast. Last evaluated: 2025-07-02. Review status: criteria provided, single submitter. Criteria: Invitae Variant Classification Sherloc (09022015). Collection method: clinical testing. Allele origin: germline.
Comment: This sequence change replaces lysine, which is basic and polar, with glutamic acid, which is acidic and polar, at codon 311 of the PALB2 protein (p.Lys311Glu). This variant is not present in population databases (gnomAD no frequency). This variant has not been reported in the literature in individuals affected with PALB2-related conditions. ClinVar contains an entry for this variant (Variation ID: 461031). Invitae Evidence Modeling of protein sequence and biophysical properties (such as structural, functional, and spatial information, amino acid conservation, physicochemical variation, residue mobility, and thermodynamic stability) indicates that this missense variant is not expected to disrupt PALB2 protein function with a negative predictive value of 80%. In summary, the available evidence is currently insufficient to determine the role of this variant in disease. Therefore, it has been classified as a Variant of Uncertain Significance.

Ambry Genetics
Classification: Likely benign for Hereditary cancer-predisposing syndrome. Last evaluated: 2024-03-27. Review status: criteria provided, single submitter. Criteria: Ambry Variant Classification Scheme 2023. Collection method: clinical testing. Allele origin: germline.

Color Diagnostics, LLC DBA Color Health
Classification: Uncertain significance for Hereditary cancer-predisposing syndrome. Last evaluated: 2024-03-11. Review status: criteria provided, single submitter. Criteria: ACMG Guidelines, 2015. Collection method: clinical testing. Allele origin: germline.
Comment: This missense variant replaces lysine with glutamic acid at codon 311 of the PALB2 protein. Computational prediction suggests that this variant may not impact protein structure and function. To our knowledge, functional studies have not been reported for this variant. This variant has not been reported in individuals affected with PALB2-related disorders in the literature. This variant has not been identified in the general population by the Genome Aggregation Database (gnomAD). The available evidence is insufficient to determine the role of this variant in disease conclusively. Therefore, this variant is classified as a Variant of Uncertain Significance.

GeneDx
Classification: Uncertain significance. Last evaluated: 2023-09-07. Review status: criteria provided, single submitter. Criteria: GeneDx Variant Classification Process June 2021. Collection method: clinical testing. Allele origin: germline. Affected: yes.
Comment: Not observed at significant frequency in large population cohorts (gnomAD); In silico analysis supports that this missense variant does not alter protein structure/function; Has not been previously published as pathogenic or benign to our knowledge; This variant is associated with the following publications: (PMID: 19369211)

Blueprint Genetics
Classification: Likely benign. Last evaluated: 2023-05-23. Review status: criteria provided, single submitter. Criteria: ACMG Guidelines, 2015. Collection method: clinical testing. Allele origin: germline.

Sema4
Classification: Uncertain significance for Hereditary cancer-predisposing syndrome. Last evaluated: 2021-06-14. Review status: criteria provided, single submitter. Criteria: Sema4 Curation Guidelines. Collection method: curation. Allele origin: germline.
Comment: The PALB2 c.931A>G (p.K311E) variant has not been reported in the literature to our knowledge. It was not observed in the large and broad cohorts of the Genome Aggregation Database. The variant has been reported in ClinVar (Variation ID 461031). In silico tools suggest the impact of the variant on protein function is benign, though these predictions have not been confirmed by functional studies. The evidence is insufficient to meet ACMG/AMP criteria for classifying the variant as benign or pathogenic. Thus, the clinical significance of this variant is currently uncertain.

NM_024675.4(PALB2):c.931A>G (p.Lys311Glu)

Gene: PALB2 (partner and localizer of BRCA2; minus strand). Cytogenetic location: 16p12.2.
Variant type: single nucleotide variant.
Coding change: c.931A>G on transcript NM_024675.4 (MANE Select); coding-DNA position 931, A replaced by G.
Protein change: p.Lys311Glu; replaces lysine 311 with glutamic acid.
Molecular consequence: missense variant.
Genome position (GRCh38, 1-based): chr16:23,635,615, T>C on the plus strand (A>G on the coding strand, the complement: PALB2 is on the minus strand). VCF-style: chr16-23635615-T-C. GRCh37 (hg19) VCF-style: chr16-23646936-T-C.
Other names: short protein forms K311E.
Identifiers: ClinVar variation 461031 (VCV000461031.25), dbSNP rs1060499831, ClinGen allele CA395135258.